The following is an entry in ClinVar:

ClinVar aggregate classification (germline): Uncertain significance. Review status: criteria provided, multiple submitters, no conflicts (2 of 4 stars). 2 submissions from 2 submitters: Uncertain significance (2). Last evaluated 2023-11-17.

Conditions:
Primary ciliary dyskinesia. Also called: Ciliary dyskinesia. Identifiers: Orphanet 244, MedGen C0008780, MONDO:0016575, HP:0012265.

Allele frequency attached by ClinVar (database versions not stated): gnomAD 0.00001; TOPMed 0.00001.
gnomAD v4.1: 1 of 1,614,068 alleles (0.000062%); highest among the groups gnomAD compares: Admixed American, 0.0017%; no homozygotes.

Submissions (2):

Labcorp Genetics (formerly Invitae), Labcorp
Classification: Uncertain significance for Primary ciliary dyskinesia. Last evaluated: 2023-11-17. Review status: criteria provided, single submitter. Criteria: Invitae Variant Classification Sherloc (09022015). Collection method: clinical testing. Allele origin: germline.
Comment: This sequence change replaces isoleucine, which is neutral and non-polar, with valine, which is neutral and non-polar, at codon 1738 of the DNAH5 protein (p.Ile1738Val). This variant is not present in population databases (gnomAD no frequency). This variant has not been reported in the literature in individuals affected with DNAH5-related conditions. ClinVar contains an entry for this variant (Variation ID: 2316071). Advanced modeling of protein sequence and biophysical properties (such as structural, functional, and spatial information, amino acid conservation, physicochemical variation, residue mobility, and thermodynamic stability) performed at Invitae indicates that this missense variant is not expected to disrupt DNAH5 protein function with a negative predictive value of 95%. In summary, the available evidence is currently insufficient to determine the role of this variant in disease. Therefore, it has been classified as a Variant of Uncertain Significance.

Ambry Genetics
Classification: Uncertain significance for Primary ciliary dyskinesia. Last evaluated: 2022-10-04. Review status: criteria provided, single submitter. Criteria: Ambry Variant Classification Scheme 2023. Collection method: clinical testing. Allele origin: germline.

NM_001369.3(DNAH5):c.5212A>G (p.Ile1738Val)

Gene: DNAH5 (dynein axonemal heavy chain 5; minus strand). Cytogenetic location: 5p15.2.
Variant type: single nucleotide variant.
Coding change: c.5212A>G on transcript NM_001369.3 (MANE Select); coding-DNA position 5212, A replaced by G.
Protein change: p.Ile1738Val; replaces isoleucine 1738 with valine.
Molecular consequence: missense variant.
Genome position (GRCh38, 1-based): chr5:13,844,896, T>C on the plus strand (A>G on the coding strand, the complement: DNAH5 is on the minus strand). VCF-style: chr5-13844896-T-C. GRCh37 (hg19) VCF-style: chr5-13845005-T-C.
Other names: short protein forms I1738V.
Identifiers: ClinVar variation 2316071 (VCV002316071.5), dbSNP rs1765756588, ClinGen allele CA359214040.